The following is an entry in ClinVar:

ClinVar aggregate classification (germline): Benign. Review status: criteria provided, multiple submitters, no conflicts (2 of 4 stars). 6 submissions from 4 submitters: Benign (5). 1 of the submissions does not count toward it. Last evaluated 2026-02-03.

Conditions:
Fanconi renotubular syndrome 5. Also called: FANCONI RENOTUBULAR SYNDROME, ACADIAN VARIANT. Identifiers: MedGen C5394473, MONDO:0030056, OMIM 618913.
Mitochondrial complex I deficiency, nuclear type 17. Also called: Mitochondrial complex 1 deficiency, nuclear type 17. Identifiers: MedGen C4748786, MONDO:0032622, OMIM 618239.

Submissions (6):

Labcorp Genetics (formerly Invitae), Labcorp
Classification: Benign. Last evaluated: 2026-02-03. Review status: criteria provided, single submitter. Criteria: Invitae Variant Classification Sherloc (09022015). Collection method: clinical testing. Allele origin: germline.

Blueprint Genetics
Classification: Benign. Last evaluated: 2024-11-27. Review status: criteria provided, single submitter. Criteria: ACMG Guidelines, 2015. Collection method: clinical testing. Allele origin: germline.

Genome-Nilou Lab
Classification: Benign for Fanconi renotubular syndrome 5. Last evaluated: 2021-09-05. Review status: criteria provided, single submitter. Criteria: ACMG Guidelines, 2015. Collection method: clinical testing. Allele origin: germline. Affected: no.

Genome-Nilou Lab
Classification: Benign for Mitochondrial complex I deficiency, nuclear type 17. Last evaluated: 2021-09-05. Review status: criteria provided, single submitter. Criteria: ACMG Guidelines, 2015. Collection method: clinical testing. Allele origin: germline. Affected: no.

GeneDx
Classification: Benign. Last evaluated: 2015-03-03. Review status: criteria provided, single submitter. Criteria: GeneDx Variant Classification Process June 2021. Collection method: clinical testing. Allele origin: germline. Affected: yes.

GeneDx
Classification: Benign. Last evaluated: 2017-06-19. Review status: flagged submission. Criteria: GeneDx Variant Classification (06012015). Collection method: clinical testing. Allele origin: germline. Affected: yes. Not counted in ClinVar's aggregate classification.
Comment: This variant is considered likely benign or benign based on one or more of the following criteria: it is a conservative change, it occurs at a poorly conserved position in the protein, it is predicted to be benign by multiple in silico algorithms, and/or has population frequency not consistent with disease.
ClinVar note: Reason: This record appears to be redundant with a more recent record from the same submitter.
ClinVar note: Notes: SCV000731129 appears to be redundant with SCV001945952.

NM_152416.4(NDUFAF6):c.421-13_421-12del

Gene: NDUFAF6 (NADH:ubiquinone oxidoreductase complex assembly factor 6; plus strand). Cytogenetic location: 8q22.1.
Variant type: Microsatellite.
Coding change: c.421-13_421-12del on transcript NM_152416.4 (MANE Select); 13 bases into the intron before coding-DNA position 421 through 12 bases into the intron before coding-DNA position 421, 2 bases deleted (CT; older notation c.421-13_421-12delCT).
Molecular consequence: intron variant.
Genome position (GRCh38, 1-based): chr8:95,041,557-95,041,558, CT deleted; deleting any 2 consecutive bases within chr8:95,041,555-95,041,558 gives the same sequence; the c. name uses the placement nearest the transcript's 3' end. VCF-style (leftmost placement, unchanged base first): chr8-95041554-GCT-G. GRCh37 (hg19) VCF-style: chr8-96053782-GCT-G.
Other names: c.88-13_88-12del (NM_001354534.2, NM_001354518.2, NM_001354519.2 and 1 more transcripts); c.145-13_145-12del (NM_001354514.2, NM_001354515.2, NM_001330582.2 and 1 more transcripts); c.-36-13_-36-12del (NM_001354525.2, NM_001354524.2, NM_001354522.2 and 7 more transcripts); c.265-13_265-12del (NM_001354516.2); c.421-13_421-12delCT (NM_152416.4); c.421-15_421-14delCT (NM_152416.2).
Identifiers: ClinVar variation 517080 (VCV000517080.16), dbSNP rs79118993, ClinGen allele CA4814790.